The following is an entry in ClinVar:

ClinVar aggregate classification (germline): Uncertain significance (1 of 4 stars; one submission).

Conditions:
Wilms tumor 1 (WT1). Also called: Wilms tumor, somatic. Identifiers: Orphanet 654, MedGen CN033288, MONDO:0008679, OMIM 194070.

Allele frequency attached by ClinVar (database versions not stated): gnomAD exomes below 0.00001.
gnomAD v4.1: 1 of 1,207,859 alleles (0.000083%); no homozygotes.

Submission:

Labcorp Genetics (formerly Invitae), Labcorp
Classification: Uncertain significance for Wilms tumor 1. Last evaluated: 2025-07-30. Review status: criteria provided, single submitter. Criteria: Invitae Variant Classification Sherloc (09022015). Collection method: clinical testing. Allele origin: germline.
Comment: This sequence change replaces valine, which is neutral and non-polar, with methionine, which is neutral and non-polar, at codon 572 of the GPC3 protein (p.Val572Met). This variant is not present in population databases (gnomAD no frequency). This variant has not been reported in the literature in individuals affected with GPC3-related conditions. ClinVar contains an entry for this variant (Variation ID: 1371579). An algorithm developed to predict the effect of missense changes on protein structure and function outputs the following: PolyPhen-2: "Benign". The methionine amino acid residue is found in multiple mammalian species, which suggests that this missense change does not adversely affect protein function. Algorithms developed to predict the effect of sequence changes on RNA splicing suggest that this variant may create or strengthen a splice site. In summary, the available evidence is currently insufficient to determine the role of this variant in disease. Therefore, it has been classified as a Variant of Uncertain Significance.

NM_004484.4(GPC3):c.1714G>A (p.Val572Met)

Gene: GPC3 (glypican 3; minus strand). Cytogenetic location: Xq26.2.
Variant type: single nucleotide variant.
Coding change: c.1714G>A on transcript NM_004484.4 (MANE Select); coding-DNA position 1714, G replaced by A.
Protein change: p.Val572Met; replaces valine 572 with methionine.
Molecular consequence: missense variant.
Genome position (GRCh38, 1-based): chrX:133,536,153, C>T on the plus strand (G>A on the coding strand, the complement: GPC3 is on the minus strand). VCF-style: chrX-133536153-C-T. GRCh37 (hg19) VCF-style: chrX-132670181-C-T.
Other names: c.1783G>A, p.Val595Met (NM_001164617.2); c.1666G>A, p.Val556Met (NM_001164618.2); c.1552G>A, p.Val518Met (NM_001164619.2); short protein forms V556M, V572M, V518M, V595M.
Identifiers: ClinVar variation 1371579 (VCV001371579.6), dbSNP rs2069287188, ClinGen allele CA414702433.